The following is an entry in ClinVar:

NM_000082.4(ERCC8):c.409G>T (p.Val137Leu)

Gene: ERCC8 (ERCC excision repair 8, CSA ubiquitin ligase complex subunit; minus strand). Cytogenetic location: 5q12.1.
Variant type: single nucleotide variant.
Coding change: c.409G>T on transcript NM_000082.4 (MANE Select); coding-DNA position 409, G replaced by T.
Protein change: p.Val137Leu; replaces valine 137 with leucine.
Molecular consequence: missense variant. On other transcripts: intron variant (1).
Genome position (GRCh38, 1-based): chr5:60,904,864, C>A on the plus strand (G>T on the coding strand, the complement: ERCC8 is on the minus strand). VCF-style: chr5-60904864-C-A. GRCh37 (hg19) VCF-style: chr5-60200691-C-A.
Other names: p.Val137Leu; c.235G>T, p.Val79Leu (NM_001007233.3); c.409G>T, p.Val137Leu (NM_001007234.3); c.23-1148G>T (NM_001290285.2); short protein forms V137L, V79L.
Identifiers: ClinVar variation 1712222 (VCV001712222.7), dbSNP rs150952570, ClinGen allele CA3277852.
Genomic context (GRCh38, chr5:60,904,864, plus strand): 5'-AGTGCTTGGTGGAGACTGGAGACATATGATGACTATAAACTGTTTCCTCAAAATTAAATA[C>A]ATCTGCAGTCTGGTAATCAAAAGACATTTAAAAAGTATAAGGTTTAAGTATAAAAACAAA-3'
Protein context (NP_000073.1, residues 127-147): WDTNTLQTAD[Val137Leu]FNFEETVYSH

ClinVar aggregate classification (germline): Uncertain significance. Review status: criteria provided, multiple submitters, no conflicts (2 of 4 stars). 4 submissions from 4 submitters: Uncertain significance (4). Last evaluated 2025-12-24.

Allele frequency attached by ClinVar (database versions not stated): 1000 Genomes Project 0.00020; ESP Exome Variant Server 0.00023; 1000 Genomes Project 30x 0.00031.
gnomAD v4.1: 182 of 1,513,646 alleles (0.012%); highest among the groups gnomAD compares: South Asian, 0.042%; no homozygotes.

Submissions (4):

GeneDx
Classification: Uncertain significance. Last evaluated: 2025-12-24. Review status: criteria provided, single submitter. Criteria: GeneDx Variant Classification Process June 2021. Collection method: clinical testing. Allele origin: germline. Affected: yes.
Comment: In silico analysis suggests that this missense variant does not alter protein structure/function; Has not been previously published as pathogenic or benign to our knowledge

Blueprint Genetics
Classification: Uncertain significance. Last evaluated: 2024-10-17. Review status: criteria provided, single submitter. Criteria: ACMG Guidelines, 2015. Collection method: clinical testing. Allele origin: germline.

Mayo Clinic Laboratories, Mayo Clinic
Classification: Uncertain significance. Last evaluated: 2022-08-04. Review status: criteria provided, single submitter. Criteria: ACMG Guidelines, 2015. Collection method: clinical testing. Allele origin: germline. Observed: 1 variant allele.
Comment: BP4

Labcorp Genetics (formerly Invitae), Labcorp
Classification: Uncertain significance. Last evaluated: 2022-06-22. Review status: criteria provided, single submitter. Criteria: Invitae Variant Classification Sherloc (09022015). Collection method: clinical testing. Allele origin: germline.
Comment: This sequence change replaces valine, which is neutral and non-polar, with leucine, which is neutral and non-polar, at codon 137 of the ERCC8 protein (p.Val137Leu). This variant is present in population databases (rs150952570, gnomAD 0.07%). This variant has not been reported in the literature in individuals affected with ERCC8-related conditions. Algorithms developed to predict the effect of missense changes on protein structure and function (SIFT, PolyPhen-2, Align-GVGD) all suggest that this variant is likely to be tolerated. Algorithms developed to predict the effect of sequence changes on RNA splicing suggest that this variant may disrupt the consensus splice site. In summary, the available evidence is currently insufficient to determine the role of this variant in disease. Therefore, it has been classified as a Variant of Uncertain Significance.